The following is an entry in ClinVar:

ClinVar aggregate classification (germline): Uncertain significance (1 of 4 stars; one submission).

Conditions:
Long QT syndrome (LQTS). Identifiers: MedGen C0023976, MeSH D008133, MONDO:0002442. Disease mechanism: loss of function. Inheritance: Various modes of inheritance.

Submission:

Labcorp Genetics (formerly Invitae), Labcorp
Classification: Uncertain significance for Long QT syndrome. Last evaluated: 2025-05-04. Review status: criteria provided, single submitter. Criteria: Invitae Variant Classification Sherloc (09022015). Collection method: clinical testing. Allele origin: germline.
Comment: This sequence change replaces isoleucine, which is neutral and non-polar, with valine, which is neutral and non-polar, at codon 2265 of the AKAP9 protein (p.Ile2265Val). This variant is not present in population databases (gnomAD no frequency). This variant has not been reported in the literature in individuals affected with AKAP9-related conditions. An algorithm developed to predict the effect of missense changes on protein structure and function outputs the following: PolyPhen-2: "Benign". The valine amino acid residue is found in multiple mammalian species, which suggests that this missense change does not adversely affect protein function. In summary, the available evidence is currently insufficient to determine the role of this variant in disease. Therefore, it has been classified as a Variant of Uncertain Significance.

NM_005751.5(AKAP9):c.6793A>G (p.Ile2265Val)

Gene: AKAP9 (A-kinase anchoring protein 9; plus strand). Cytogenetic location: 7q21.2.
Variant type: single nucleotide variant.
Coding change: c.6793A>G on transcript NM_005751.5 (MANE Select); coding-DNA position 6793, A replaced by G.
Protein change: p.Ile2265Val; replaces isoleucine 2265 with valine.
Molecular consequence: missense variant.
Genome position (GRCh38, 1-based): chr7:92,077,723, A>G. VCF-style: chr7-92077723-A-G. GRCh37 (hg19) VCF-style: chr7-91707037-A-G.
Other names: c.1438A>G, p.Ile480Val (NM_001379277.1); c.6769A>G, p.Ile2257Val (NM_147185.3); short protein forms I2257V, I480V, I2265V.
Identifiers: ClinVar variation 4766774 (VCV004766774.1).